The following is an entry in ClinVar:

ClinVar aggregate classification (germline): Uncertain significance. Review status: criteria provided, multiple submitters, no conflicts (2 of 4 stars). 3 submissions from 3 submitters: Uncertain significance (3). Last evaluated 2023-10-18.

Conditions:
Familial cancer of breast. Also called: Hereditary breast cancer; BREAST CANCER, FAMILIAL; hereditary breast carcinoma. Identifiers: Orphanet 227535, MedGen C0346153, MONDO:0016419, OMIM 114480. Disease mechanism: loss of function.
Hereditary breast ovarian cancer syndrome. Also called: Breast and ovarian cancer; Hereditary breast and ovarian cancer syndrome (HBOC); Hereditary breast and ovarian cancer; Hereditary breast and/or ovarian cancer syndrome; BRCA1- and BRCA2-Associated Hereditary Breast and Ovarian Cancer; Hereditary breast and ovarian cancer syndrome. Identifiers: Orphanet 145, MedGen C0677776, MeSH D061325, MONDO:0003582. Disease mechanism: loss of function.
Hereditary cancer-predisposing syndrome. Also called: Hereditary Cancer Syndrome; Neoplastic Syndromes, Hereditary; Tumor predisposition; Hereditary neoplastic syndrome. Identifiers: Orphanet 140162, MedGen C0027672, MeSH D009386, MONDO:0015356.

Allele frequency attached by ClinVar (database versions not stated): gnomAD exomes 0.00001.
gnomAD v4.1: 7 of 1,593,128 alleles (0.00044%); highest among the groups gnomAD compares: Non-Finnish European, 0.0006%; no homozygotes.

Submissions (3):

Department of Pathology and Laboratory Medicine, Sinai Health System
Classification: Uncertain significance for Hereditary breast ovarian cancer syndrome. Last evaluated: 2023-10-18. Review status: criteria provided, single submitter. Criteria: ACMG Guidelines, 2015. Collection method: clinical testing. Allele origin: germline. Affected: yes.

Ambry Genetics
Classification: Uncertain significance for Hereditary cancer-predisposing syndrome. Last evaluated: 2023-08-29. Review status: criteria provided, single submitter. Criteria: Ambry Variant Classification Scheme 2023. Collection method: clinical testing. Allele origin: germline.
Comment: The p.E221Q variant (also known as c.661G>C), located in coding exon 4 of the BARD1 gene, results from a G to C substitution at nucleotide position 661. The glutamic acid at codon 221 is replaced by glutamine, an amino acid with highly similar properties. This amino acid position is not well conserved in available vertebrate species. In addition, this alteration is predicted to be tolerated by in silico analysis. Since supporting evidence is limited at this time, the clinical significance of this alteration remains unclear.

Labcorp Genetics (formerly Invitae), Labcorp
Classification: Uncertain significance for Familial cancer of breast. Last evaluated: 2022-11-07. Review status: criteria provided, single submitter. Criteria: Invitae Variant Classification Sherloc (09022015). Collection method: clinical testing. Allele origin: germline.
Comment: In summary, the available evidence is currently insufficient to determine the role of this variant in disease. Therefore, it has been classified as a Variant of Uncertain Significance. Algorithms developed to predict the effect of missense changes on protein structure and function output the following: SIFT: "Tolerated"; PolyPhen-2: "Benign"; Align-GVGD: "Class C0". The glutamine amino acid residue is found in multiple mammalian species, which suggests that this missense change does not adversely affect protein function. ClinVar contains an entry for this variant (Variation ID: 1024553). This variant has not been reported in the literature in individuals affected with BARD1-related conditions. This variant is not present in population databases (gnomAD no frequency). This sequence change replaces glutamic acid, which is acidic and polar, with glutamine, which is neutral and polar, at codon 221 of the BARD1 protein (p.Glu221Gln).

NM_000465.4(BARD1):c.661G>C (p.Glu221Gln)

Gene: BARD1 (BRCA1 associated RING domain 1; minus strand). Cytogenetic location: 2q35.
Variant type: single nucleotide variant.
Coding change: c.661G>C on transcript NM_000465.4 (MANE Select); coding-DNA position 661, G replaced by C.
Protein change: p.Glu221Gln; replaces glutamic acid 221 with glutamine.
Molecular consequence: missense variant. On other transcripts: non-coding transcript variant (2), intron variant (3).
Genome position (GRCh38, 1-based): chr2:214,781,213, C>G on the plus strand (G>C on the coding strand, the complement: BARD1 is on the minus strand). VCF-style: chr2-214781213-C-G. GRCh37 (hg19) VCF-style: chr2-215645937-C-G.
Other names: c.604G>C, p.Glu202Gln (NM_001282543.2); c.158+28199G>C (NM_001282548.2); c.215+15848G>C (NM_001282545.2); c.364+11084G>C (NM_001282549.2); short protein forms E202Q, E221Q.
Identifiers: ClinVar variation 1024553 (VCV001024553.9), dbSNP rs1695005056, ClinGen allele CA350456534.